The following is an entry in ClinVar:

NM_000535.7(PMS2):c.2542C>G (p.Pro848Ala)

Gene: PMS2 (PMS1 homolog 2, mismatch repair system component; minus strand). Cytogenetic location: 7p22.1.
Variant type: single nucleotide variant.
Coding change: c.2542C>G on transcript NM_000535.7 (MANE Select); coding-DNA position 2542, C replaced by G.
Protein change: p.Pro848Ala; replaces proline 848 with alanine.
Molecular consequence: missense variant. On other transcripts: non-coding transcript variant (1).
Genome position (GRCh38, 1-based): chr7:5,973,446, G>C on the plus strand (C>G on the coding strand, the complement: PMS2 is on the minus strand). VCF-style: chr7-5973446-G-C. GRCh37 (hg19) VCF-style: chr7-6013077-G-C.
Other names: c.2137C>G, p.Pro713Ala (NM_001322003.2, NM_001322004.2, NM_001322005.2 and 11 more transcripts); c.2386C>G, p.Pro796Ala (NM_001322006.2); c.2224C>G, p.Pro742Ala (NM_001322007.2, NM_001322008.2, NM_001406883.1); c.2170C>G, p.Pro724Ala (NM_001322009.2, NM_001406887.1, NM_001406888.1); c.1981C>G, p.Pro661Ala (NM_001322010.2, NM_001406906.1, NM_001406907.1); c.1609C>G, p.Pro537Ala (NM_001322011.2, NM_001322012.2); c.1969C>G, p.Pro657Ala (NM_001322013.2, NM_001406908.1, NM_001406909.1); c.2575C>G, p.Pro859Ala (NM_001322014.2); and 20 more; short protein forms P447A, P537A, P591A, P677A, P726A, P740A, P796A, P807A.
Identifiers: ClinVar variation 3308082 (VCV003308082.2).
Genomic context (GRCh38, chr7:5,973,446, plus strand): 5'-ACAGTGACTACGGTCAGTTCTGAGAAATGACACCCAGGTTGGCGATGTGTCTCATGGTTG[G>C]CCTTCCATGGGGACAGTTCCAGGGGTGGTCCATCTCCCCCATGTGGGTGATCAGTTTCTT-3'
Protein context (NP_000526.2, residues 838-858): DHPWNCPHGR[Pro848Ala]TMRHIANLGV

ClinVar aggregate classification (germline): Uncertain significance. Review status: criteria provided, multiple submitters, no conflicts (2 of 4 stars). 2 submissions from 2 submitters: Uncertain significance (2). Last evaluated 2024-10-15.

Conditions:
Hereditary cancer-predisposing syndrome. Also called: Tumor predisposition; Hereditary Cancer Syndrome; Hereditary neoplastic syndrome; Neoplastic Syndromes, Hereditary. Identifiers: Orphanet 140162, MedGen C0027672, MeSH D009386, MONDO:0015356.

Submissions (2):

Color Diagnostics, LLC DBA Color Health
Classification: Uncertain significance for Hereditary cancer-predisposing syndrome. Last evaluated: 2024-10-15. Review status: criteria provided, single submitter. Criteria: ACMG Guidelines, 2015. Collection method: clinical testing. Allele origin: germline.
Comment: This missense variant replaces proline with alanine at codon 848 of the PMS2 protein. Computational prediction suggests that this variant may have deleterious impact on protein structure and function (internally defined REVEL score threshold >= 0.7, PMID: 27666373). To our knowledge, functional studies have not been reported for this variant. This variant has not been reported in individuals affected with PMS2-related disorders in the literature. This variant has not been identified in the general population by the Genome Aggregation Database (gnomAD). The available evidence is insufficient to determine the role of this variant in disease conclusively. Therefore, this variant is classified as a Variant of Uncertain Significance.

Ambry Genetics
Classification: Uncertain significance for Hereditary cancer-predisposing syndrome. Last evaluated: 2024-03-15. Review status: criteria provided, single submitter. Criteria: Ambry Variant Classification Scheme 2023. Collection method: clinical testing. Allele origin: germline.
Comment: The p.P848A variant (also known as c.2542C>G), located in coding exon 15 of the PMS2 gene, results from a C to G substitution at nucleotide position 2542. The proline at codon 848 is replaced by alanine, an amino acid with highly similar properties. This amino acid position is conserved. In addition, this alteration is predicted to be deleterious by in silico analysis. Based on the available evidence, the clinical significance of this alteration remains unclear.